The following is an entry in ClinVar:

ClinVar aggregate classification (germline): Conflicting classifications of pathogenicity. Review status: criteria provided, conflicting classifications (1 of 4 stars). 2 submissions from 2 submitters: Uncertain significance (1); Likely benign (1). Last evaluated 2023-03-23.

Conditions:
Hereditary cancer-predisposing syndrome. Also called: Hereditary neoplastic syndrome; Tumor predisposition; Hereditary Cancer Syndrome; Neoplastic Syndromes, Hereditary. Identifiers: Orphanet 140162, MedGen C0027672, MeSH D009386, MONDO:0015356.
Hereditary breast ovarian cancer syndrome. Also called: Hereditary breast and ovarian cancer syndrome; BRCA1- and BRCA2-Associated Hereditary Breast and Ovarian Cancer; Hereditary breast and ovarian cancer syndrome (HBOC); Hereditary breast and/or ovarian cancer syndrome; Hereditary breast and ovarian cancer; Breast and ovarian cancer. Identifiers: Orphanet 145, MedGen C0677776, MeSH D061325, MONDO:0003582. Disease mechanism: loss of function.

Submissions (2):

University of Washington Department of Laboratory Medicine, University of Washington
Classification: Likely benign for Hereditary cancer-predisposing syndrome. Last evaluated: 2023-03-23. Review status: criteria provided, single submitter. Criteria: Dines et al. (Genet Med. 2020). Collection method: curation. Allele origin: germline.
Comment: Missense variant in a coldspot region where missense variants are very unlikely to be pathogenic (PMID:31911673).

BRCA2 exon 11 coldspot. Reclassification based on statistical prior probability.

Labcorp Genetics (formerly Invitae), Labcorp
Classification: Uncertain significance for Hereditary breast ovarian cancer syndrome. Last evaluated: 2022-04-13. Review status: criteria provided, single submitter. Criteria: Invitae Variant Classification Sherloc (09022015). Collection method: clinical testing. Allele origin: germline.
Comment: This sequence change replaces glutamic acid, which is acidic and polar, with arginine, which is basic and polar, at codon 2028 of the BRCA2 protein (p.Glu2028Arg). Information on the frequency of this variant in the gnomAD database is not available, as this variant may be reported differently in the database. This variant has not been reported in the literature in individuals affected with BRCA2-related conditions. Algorithms developed to predict the effect of missense changes on protein structure and function are either unavailable or do not agree on the potential impact of this missense change (SIFT: "Not Available"; PolyPhen-2: "Possibly Damaging"; Align-GVGD: "Not Available"). In summary, the available evidence is currently insufficient to determine the role of this variant in disease. Therefore, it has been classified as a Variant of Uncertain Significance.

NM_000059.4(BRCA2):c.6082_6083delinsAG (p.Glu2028Arg)

Gene: BRCA2 (BRCA2 DNA repair associated; plus strand). Cytogenetic location: 13q13.1.
Variant type: Indel.
Coding change: c.6082_6083delinsAG on transcript NM_000059.4 (MANE Select); coding-DNA positions 6082 to 6083, GA replaced by AG.
Protein change: p.Glu2028Arg; replaces glutamic acid 2028 with arginine.
Molecular consequence: missense variant.
Genome position (GRCh38, 1-based): chr13:32,340,437-32,340,438, GA replaced by AG. VCF-style: chr13-32340437-GA-AG. GRCh37 (hg19) VCF-style: chr13-32914574-GA-AG.
Other names: c.6082_6083delGAinsAG, p.Glu2028Arg (NM_001406719.1, NM_001406720.1); short protein forms E2028R.
Identifiers: ClinVar variation 2125873 (VCV002125873.6), dbSNP rs2548532537, ClinGen allele CA2580087786.